The following is an entry in ClinVar:

NM_001122630.2(CDKN1C):c.187C>T (p.Pro63Ser)

Gene: CDKN1C (cyclin dependent kinase inhibitor 1C; minus strand). Cytogenetic location: 11p15.4.
Variant type: single nucleotide variant.
Coding change: c.187C>T on transcript NM_001122630.2 (MANE Select); coding-DNA position 187, C replaced by T.
Protein change: p.Pro63Ser; replaces proline 63 with serine.
Molecular consequence: missense variant.
Genome position (GRCh38, 1-based): chr11:2,885,270, G>A on the plus strand (C>T on the coding strand, the complement: CDKN1C is on the minus strand). VCF-style: chr11-2885270-G-A. GRCh37 (hg19) VCF-style: chr11-2906500-G-A.
Other names: c.220C>T, p.Pro74Ser (NM_000076.2, NM_001362474.2); c.187C>T, p.Pro63Ser (NM_001122631.2, NM_001362475.2); short protein forms P63S, P74S.
Identifiers: ClinVar variation 1810601 (VCV001810601.1), dbSNP rs2494389803, ClinGen allele CA379147348.

ClinVar aggregate classification (germline): Uncertain significance (1 of 4 stars; one submission).

Submission:

GeneDx
Classification: Uncertain significance. Last evaluated: 2022-07-08. Review status: criteria provided, single submitter. Criteria: GeneDx Variant Classification Process June 2021. Collection method: clinical testing. Allele origin: germline. Affected: yes.
Comment: Not observed at significant frequency in large population cohorts (gnomAD); In silico analysis supports that this missense variant has a deleterious effect on protein structure/function; Has not been previously published as pathogenic or benign to our knowledge